The following is an entry in ClinVar:

NM_018984.4(SSH1):c.1454A>T (p.Asp485Val)

Gene: SSH1 (slingshot protein phosphatase 1; minus strand). Cytogenetic location: 12q24.11.
Variant type: single nucleotide variant.
Coding change: c.1454A>T on transcript NM_018984.4 (MANE Select); coding-DNA position 1454, A replaced by T.
Protein change: p.Asp485Val; replaces aspartic acid 485 with valine.
Molecular consequence: missense variant.
Genome position (GRCh38, 1-based): chr12:108,792,725, T>A on the plus strand (A>T on the coding strand, the complement: SSH1 is on the minus strand). VCF-style: chr12-108792725-T-A. GRCh37 (hg19) VCF-style: chr12-109186501-T-A.
Other names: c.1454A>T, p.Asp485Val (NM_001161330.2); c.1487A>T, p.Asp496Val (NM_001161331.1); short protein forms D485V, D496V.
Identifiers: ClinVar variation 3034288 (VCV003034288.2), dbSNP rs147936147, ClinGen allele CA6770234.

ClinVar aggregate classification (germline): Likely benign (0 of 4 stars; one submission).

Conditions:
SSH1-related disorder. Also called: SSH1-related condition.

Allele frequency attached by ClinVar (database versions not stated): 1000 Genomes Project 30x 0.00078; 1000 Genomes Project 0.00080; ESP Exome Variant Server 0.00200; ExAC 0.00205; TOPMed 0.00205.
gnomAD v4.1: 3,909 of 1,613,726 alleles (0.24%); highest among the groups gnomAD compares: Admixed American, 0.36%; 9 homozygotes.

Submission:

PreventionGenetics, part of Exact Sciences
Classification: Likely benign for SSH1-related condition. Last evaluated: 2022-04-05. Review status: no assertion criteria provided. Collection method: clinical testing. Allele origin: germline.
Comment: This variant is classified as likely benign based on ACMG/AMP sequence variant interpretation guidelines (Richards et al. 2015 PMID: 25741868, with internal and published modifications).